The following is an entry in ClinVar:

ClinVar aggregate classification (germline): Pathogenic. Review status: criteria provided, multiple submitters, no conflicts (2 of 4 stars). 2 submissions from 2 submitters: Pathogenic (2). Last evaluated 2023-05-05.

Conditions:
ACVRL1-related disorder. Also called: ACVRL1-related disorders; ACVRL1-related condition.
Telangiectasia, hereditary hemorrhagic, type 2 (HHT2). Also called: Telangiectasia, hereditary hemorrhagic, type II; ACVRL1-Related Hereditary Hemorrhagic Telangiectasia. Identifiers: Orphanet 774, MedGen C1838163, MONDO:0010880, OMIM 600376. Disease mechanism: loss of function.

Submissions (2):

Blueprint Genetics
Classification: Pathogenic for ACVRL1-related disorders. Last evaluated: 2023-05-05. Review status: criteria provided, single submitter. Criteria: ACMG Guidelines, 2015. Collection method: clinical testing. Allele origin: germline. Affected: yes. Observed: 3 variant alleles.

Labcorp Genetics (formerly Invitae), Labcorp
Classification: Pathogenic for Telangiectasia, hereditary hemorrhagic, type 2. Last evaluated: 2022-11-20. Review status: criteria provided, single submitter. Criteria: Invitae Variant Classification Sherloc (09022015). Collection method: clinical testing. Allele origin: germline.
Comment: For these reasons, this variant has been classified as Pathogenic. Algorithms developed to predict the effect of sequence changes on RNA splicing suggest that this variant may disrupt the consensus splice site. ClinVar contains an entry for this variant (Variation ID: 464761). Disruption of this splice site has been observed in individual(s) with hereditary hemorrhagic telangiectasia (Invitae). It has also been observed to segregate with disease in related individuals. This variant is not present in population databases (gnomAD no frequency). This sequence change affects a donor splice site in intron 3 of the ACVRL1 gene. It is expected to disrupt RNA splicing. Variants that disrupt the donor or acceptor splice site typically lead to a loss of protein function (PMID: 16199547), and loss-of-function variants in ACVRL1 are known to be pathogenic (PMID: 15879500).

Literature cited by the submitters: PubMed 16199547 (cited by Labcorp Genetics (formerly Invitae), Labcorp); PubMed 15879500 (cited by Labcorp Genetics (formerly Invitae), Labcorp).

NM_000020.3(ACVRL1):c.313+1G>T

Gene: ACVRL1 (activin A receptor like type 1; plus strand). Cytogenetic location: 12q13.13.
Variant type: single nucleotide variant.
Coding change: c.313+1G>T on transcript NM_000020.3 (MANE Select); the canonical splice donor site of the intron after coding-DNA position 313, G replaced by T.
Molecular consequence: splice donor variant. On other transcripts: intron variant (1).
Genome position (GRCh38, 1-based): chr12:51,913,351, G>T. VCF-style: chr12-51913351-G-T. GRCh37 (hg19) VCF-style: chr12-52307135-G-T.
Other names: c.313+1G>T (NM_001406487.1, NM_001406491.1, NM_001406488.1 and 6 more transcripts); c.61+816G>T (NM_001406495.1).
Identifiers: ClinVar variation 464761 (VCV000464761.9), dbSNP rs1555152548, ClinGen allele CA384898146.